The following is an entry in ClinVar:

ClinVar aggregate classification (germline): Uncertain significance (1 of 4 stars; one submission).

Submission:

Ambry Genetics
Classification: Uncertain significance. Last evaluated: 2024-11-15. Review status: criteria provided, single submitter. Criteria: Ambry Variant Classification Scheme 2023. Collection method: clinical testing. Allele origin: germline.
Comment: The p.R387G variant (also known as c.1159A>G), located in coding exon 1 of the MLH3 gene, results from an A to G substitution at nucleotide position 1159. The arginine at codon 387 is replaced by glycine, an amino acid with dissimilar properties. This amino acid position is conserved. In addition, this alteration is predicted to be tolerated by in silico analysis. Based on the available evidence, the clinical significance of this variant remains unclear.

NM_001040108.2(MLH3):c.1159A>G (p.Arg387Gly)

Gene: MLH3 (mutL homolog 3; minus strand). Cytogenetic location: 14q24.3.
Variant type: single nucleotide variant.
Coding change: c.1159A>G on transcript NM_001040108.2 (MANE Select); coding-DNA position 1159, A replaced by G.
Protein change: p.Arg387Gly; replaces arginine 387 with glycine.
Molecular consequence: missense variant.
Genome position (GRCh38, 1-based): chr14:75,048,497, T>C on the plus strand (A>G on the coding strand, the complement: MLH3 is on the minus strand). VCF-style: chr14-75048497-T-C. GRCh37 (hg19) VCF-style: chr14-75515200-T-C.
Other names: c.1159A>G, p.Arg387Gly (NM_014381.3); short protein forms R387G.
Identifiers: ClinVar variation 3396620 (VCV003396620.1).